The following is an entry in ClinVar:

NM_000891.3(KCNJ2):c.23G>A (p.Arg8His)

Gene: KCNJ2 (potassium inwardly rectifying channel subfamily J member 2; plus strand). Cytogenetic location: 17q24.3.
Variant type: single nucleotide variant.
Coding change: c.23G>A on transcript NM_000891.3 (MANE Select); coding-DNA position 23, G replaced by A.
Protein change: p.Arg8His; replaces arginine 8 with histidine.
Molecular consequence: missense variant.
Genome position (GRCh38, 1-based): chr17:70,175,062, G>A. VCF-style: chr17-70175062-G-A. GRCh37 (hg19) VCF-style: chr17-68171203-G-A.
Other names: short protein forms R8H.
Identifiers: ClinVar variation 844830 (VCV000844830.8), dbSNP rs140090605, ClinGen allele CA8738681.
Genomic context (GRCh38, chr17:70,175,062, plus strand): 5'-TTTCCAAAGCAGAAGCACTGGAGTCCCCAGCAGAAGCGATGGGCAGTGTGCGAACCAACC[G>A]CTACAGCATCGTCTCTTCAGAAGAAGACGGTATGAAGTTGGCCACCATGGCAGTTGCAAA-3'
Protein context (NP_000882.1, residues 1-18): MGSVRTN[Arg8His]YSIVSSEEDG

ClinVar aggregate classification (germline): Conflicting classifications of pathogenicity. Review status: criteria provided, conflicting classifications (1 of 4 stars). 3 submissions from 3 submitters: Uncertain significance (2); Benign (1). Last evaluated 2026-02-16.

Conditions:
Andersen Tawil syndrome (LQT7). Also called: LONG QT SYNDROME 7; PERIODIC PARALYSIS, POTASSIUM-SENSITIVE CARDIODYSRHYTHMIC TYPE; ANDERSEN CARDIODYSRHYTHMIC PERIODIC PARALYSIS; Potassium-sensitive periodic paralysis, ventricular ectopy, and dysmorphic features; Andersen Syndrome. Identifiers: Orphanet 37553, MedGen C1563715, MONDO:0008222, OMIM 170390.
Short QT syndrome type 3. Identifiers: Orphanet 51083, MedGen C1865018, MONDO:0012314, OMIM 609622.
Atrial fibrillation, familial, 9 (ATFB9). Identifiers: MedGen C3151431, MONDO:0013513, OMIM 613980.
Cardiovascular phenotype. Identifiers: MedGen CN230736.

Allele frequency attached by ClinVar (database versions not stated): TOPMed 0.00001; ExAC 0.00003; gnomAD exomes 0.00003; ESP Exome Variant Server 0.00008.
gnomAD v4.1: 39 of 1,614,018 alleles (0.0024%); highest among the groups gnomAD compares: Non-Finnish European, 0.0031%; no homozygotes.

Submissions (3):

Ambry Genetics
Classification: Benign for Cardiovascular phenotype. Last evaluated: 2026-02-16. Review status: criteria provided, single submitter. Criteria: Ambry Variant Classification Scheme 2023. Collection method: clinical testing. Allele origin: germline.

Labcorp Genetics (formerly Invitae), Labcorp
Classification: Uncertain significance for Short QT syndrome type 3; Andersen Tawil syndrome. Last evaluated: 2025-10-21. Review status: criteria provided, single submitter. Criteria: Invitae Variant Classification Sherloc (09022015). Collection method: clinical testing. Allele origin: germline.
Comment: This sequence change replaces arginine, which is basic and polar, with histidine, which is basic and polar, at codon 8 of the KCNJ2 protein (p.Arg8His). This variant is present in population databases (rs140090605, gnomAD 0.005%). This variant has not been reported in the literature in individuals affected with KCNJ2-related conditions. ClinVar contains an entry for this variant (Variation ID: 844830). Invitae Evidence Modeling of protein sequence and biophysical properties (such as structural, functional, and spatial information, amino acid conservation, physicochemical variation, residue mobility, and thermodynamic stability) has been performed for this missense variant. However, the output from this modeling did not meet the statistical confidence thresholds required to predict the impact of this variant on KCNJ2 protein function. In summary, the available evidence is currently insufficient to determine the role of this variant in disease. Therefore, it has been classified as a Variant of Uncertain Significance.

Department of Pathology and Laboratory Medicine, Sinai Health System
Classification: Uncertain significance for Andersen Tawil syndrome; Short QT syndrome type 3; Atrial fibrillation, familial, 9. Last evaluated: 2021-12-13. Review status: criteria provided, single submitter. Criteria: ACMG Guidelines, 2015. Collection method: research. Allele origin: germline.

Literature cited by the submitters: PubMed 39790854 (cited by Ambry Genetics).